The following is an entry in ClinVar:

NM_001723.7(DST):c.76G>C (p.Asp26His)

Gene: DST (dystonin; minus strand). Cytogenetic location: 6p12.1.
Variant type: single nucleotide variant.
Coding change: c.76G>C on transcript NM_001723.7 (MANE Plus Clinical); coding-DNA position 76, G replaced by C.
Protein change: p.Asp26His; replaces aspartic acid 26 with histidine.
Molecular consequence: missense variant. On other transcripts: intron variant (9).
Genome position (GRCh38, 1-based): chr6:56,642,713, C>G on the plus strand (G>C on the coding strand, the complement: DST is on the minus strand). VCF-style: chr6-56642713-C-G. GRCh37 (hg19) VCF-style: chr6-56507511-C-G.
Other names: c.76G>C, p.Asp26His (NM_015548.5); c.1680-210G>C (NM_001144769.5); c.1779-210G>C (NM_001374722.1, NM_001374736.1); c.1806-210G>C (NM_001374734.1); c.1266-210G>C (NM_001144770.2); c.1146-210G>C (NM_001374730.1, NM_001386100.1, NM_183380.4 and 1 more transcripts); short protein forms D26H.
Identifiers: ClinVar variation 1009602 (VCV001009602.9), dbSNP rs531151277, ClinGen allele CA3871597.

ClinVar aggregate classification (germline): Uncertain significance (1 of 4 stars; one submission).

Conditions:
Epidermolysis bullosa simplex 3, localized or generalized intermediate, with BP230 deficiency (EBS3). Also called: Epidermolysis bullosa simplex due to BP230 deficiency; Epidermolysis bullosa simplex, autosomal recessive 2. Identifiers: Orphanet 412181, MedGen C3809470, MONDO:0014180, OMIM 615425.
Hereditary sensory and autonomic neuropathy type 6. Also called: HSAN VI; Neuropathy, hereditary sensory and autonomic, type VI. Identifiers: Orphanet 314381, MedGen C3539003, MONDO:0013839, OMIM 614653.

Allele frequency attached by ClinVar (database versions not stated): gnomAD exomes 0.00009 and 0.00005; ExAC 0.00010; 1000 Genomes Project 0.00020; 1000 Genomes Project 30x 0.00031; gnomAD 0.00003 and below 0.00001; TOPMed below 0.00001.
gnomAD v4.1: 77 of 1,614,140 alleles (0.0048%); highest among the groups gnomAD compares: South Asian, 0.079%; 1 homozygote.

Submission:

Labcorp Genetics (formerly Invitae), Labcorp
Classification: Uncertain significance for Epidermolysis bullosa simplex 3, localized or generalized intermediate, with BP230 deficiency; Hereditary sensory and autonomic neuropathy type 6. Last evaluated: 2025-04-18. Review status: criteria provided, single submitter. Criteria: Invitae Variant Classification Sherloc (09022015). Collection method: clinical testing. Allele origin: germline.
Comment: This sequence change replaces aspartic acid, which is acidic and polar, with histidine, which is basic and polar, at codon 26 of the DST protein (p.Asp26His). This variant is present in population databases (rs531151277, gnomAD 0.07%). This variant has not been reported in the literature in individuals affected with DST-related conditions. ClinVar contains an entry for this variant (Variation ID: 1009602). An algorithm developed to predict the effect of missense changes on protein structure and function (PolyPhen-2) suggests that this variant is likely to be disruptive. In summary, the available evidence is currently insufficient to determine the role of this variant in disease. Therefore, it has been classified as a Variant of Uncertain Significance.